The following is an entry in ClinVar:

ClinVar aggregate classification (germline): Pathogenic (1 of 4 stars; one submission).

Conditions:
H syndrome. Also called: FAISALABAD HISTIOCYTOSIS; Asrar Facharzt Haque syndrome; Histiocytosis with joint contractures and sensorineural deafness; Pigmented hypertrichosis and insulin-dependent diabetes mellitus; HISTIOCYTOSIS AND LYMPHADENOPATHY WITH OR WITHOUT CUTANEOUS, CARDIAC, AND/OR ENDOCRINE FEATURES, JOINT CONTRACTURES, AND/OR DEAFNESS; HYPERPIGMENTATION, CUTANEOUS, WITH HYPERTRICHOSIS, HEPATOSPLENOMEGALY, HEART ANOMALIES, AND HYPOGONADISM WITH OR WITHOUT HEARING LOSS. Identifiers: Orphanet 168569, MedGen C1864445, MONDO:0011273, OMIM 602782.

Submission:

Labcorp Genetics (formerly Invitae), Labcorp
Classification: Pathogenic for H syndrome. Last evaluated: 2022-10-13. Review status: criteria provided, single submitter. Criteria: Invitae Variant Classification Sherloc (09022015). Collection method: clinical testing. Allele origin: germline.
Comment: For these reasons, this variant has been classified as Pathogenic. This variant disrupts a region of the SLC29A3 protein in which other variant(s) (p.Gly437Arg) have been determined to be pathogenic (PMID: 18940313, 20595384, 20619369, 29041934). This suggests that this is a clinically significant region of the protein, and that variants that disrupt it are likely to be disease-causing. This variant has not been reported in the literature in individuals affected with SLC29A3-related conditions. This variant is not present in population databases (gnomAD no frequency). This sequence change creates a premature translational stop signal (p.Leu432Trpfs*21) in the SLC29A3 gene. While this is not anticipated to result in nonsense mediated decay, it is expected to disrupt the last 44 amino acid(s) of the SLC29A3 protein.

Literature cited by the submitters: PubMed 18940313; PubMed 20595384; PubMed 20619369; PubMed 29041934.

NM_018344.6(SLC29A3):c.1294del (p.Leu432fs)

Gene: SLC29A3 (solute carrier family 29 member 3; plus strand). Cytogenetic location: 10q22.1.
Variant type: Deletion.
Coding change: c.1294del on transcript NM_018344.6 (MANE Select); coding-DNA position 1294, one base deleted (C; older notation c.1294delC).
Protein change: p.Leu432fs; shifts the reading frame from leucine 432.
Molecular consequence: frameshift variant. On other transcripts: 3 prime UTR variant (1), non-coding transcript variant (2).
Genome position (GRCh38, 1-based): chr10:71,362,474, C deleted; the last of 3 consecutive C bases (chr10:71,362,472-71,362,474); deleting any one gives the same sequence. VCF-style (leftmost placement, unchanged base first): chr10-71362471-AC-A. GRCh37 (hg19) VCF-style: chr10-73122228-AC-A.
Other names: c.*523del (NM_001174098.2); c.1060del, p.Leu354fs (NM_001363518.2); short protein forms L354fs, L432fs.
Identifiers: ClinVar variation 1993275 (VCV001993275.4), dbSNP rs2492507222, ClinGen allele CA2580081804.